The following is an entry in ClinVar:

NM_001099922.3(ALG13):c.3143C>G (p.Ala1048Gly)

Gene: ALG13 (ALG13 UDP-N-acetylglucosaminyltransferase subunit; plus strand). Cytogenetic location: Xq23.
Variant type: single nucleotide variant.
Coding change: c.3143C>G on transcript NM_001099922.3 (MANE Select); coding-DNA position 3143, C replaced by G.
Protein change: p.Ala1048Gly; replaces alanine 1048 with glycine.
Molecular consequence: missense variant. On other transcripts: non-coding transcript variant (1).
Genome position (GRCh38, 1-based): chrX:111,757,757, C>G. VCF-style: chrX-111757757-C-G. GRCh37 (hg19) VCF-style: chrX-111000985-C-G.
Other names: c.2594C>G, p.Ala865Gly (NM_001257230.2, NM_001257234.2, NM_001257237.2); c.2909C>G, p.Ala970Gly (NM_001257231.2); c.2906C>G, p.Ala969Gly (NM_001324292.2); c.2420C>G, p.Ala807Gly (NM_001324293.1); short protein forms A1048G, A865G, A807G, A969G, A970G.
Identifiers: ClinVar variation 383411 (VCV000383411.18), dbSNP rs773401427, ClinGen allele CA10494048.

ClinVar aggregate classification (germline): Conflicting classifications of pathogenicity. Review status: criteria provided, conflicting classifications (1 of 4 stars). 4 submissions from 4 submitters: Uncertain significance (2); Likely benign (2). Last evaluated 2025-12-16.

Conditions:
Developmental and epileptic encephalopathy, 36 (DEE36). Also called: ALG13-CDG; Epileptic encephalopathy, early infantile, 36; Congenital disorder of glycosylation, type Is. Identifiers: Orphanet 324422, MedGen C4317295, MONDO:0010472, OMIM 300884.

Allele frequency attached by ClinVar (database versions not stated): gnomAD exomes 0.00001 and 0.00002; ExAC 0.00004; gnomAD 0.00023 and 0.00026; TOPMed 0.00057.
gnomAD v4.1: 53 of 1,203,211 alleles (0.0044%); highest among the groups gnomAD compares: Admixed American, 0.092%; no homozygotes.

Submissions (4):

Labcorp Genetics (formerly Invitae), Labcorp
Classification: Likely benign for Developmental and epileptic encephalopathy, 36. Last evaluated: 2025-12-16. Review status: criteria provided, single submitter. Criteria: Invitae Variant Classification Sherloc (09022015). Collection method: clinical testing. Allele origin: germline.

Athena Diagnostics
Classification: Uncertain significance. Last evaluated: 2019-01-18. Review status: criteria provided, single submitter. Criteria: Athena Diagnostics Criteria. Collection method: clinical testing. Allele origin: germline.

GeneDx
Classification: Likely benign. Last evaluated: 2017-09-14. Review status: criteria provided, single submitter. Criteria: GeneDx Variant Classification (06012015). Collection method: clinical testing. Allele origin: germline. Affected: yes.
Comment: This variant is considered likely benign or benign based on one or more of the following criteria: it is a conservative change, it occurs at a poorly conserved position in the protein, it is predicted to be benign by multiple in silico algorithms, and/or has population frequency not consistent with disease.

Genetic Services Laboratory, University of Chicago
Classification: Uncertain significance. Last evaluated: 2016-09-20. Review status: criteria provided, single submitter. Criteria: ACMG Guidelines, 2015. Collection method: clinical testing. Allele origin: germline. Affected: no.